The following is an entry in ClinVar:

ClinVar aggregate classification (germline): Uncertain significance (1 of 4 stars; one submission).

Conditions:
Atypical hemolytic-uremic syndrome. Identifiers: Orphanet 2134, MedGen C2931788, MONDO:0016244.

Submission:

Genomenon, Inc
Classification: Uncertain significance for Atypical hemolytic-uremic syndrome. Last evaluated: 2025-10-02. Review status: criteria provided, single submitter. Criteria: Genomenon Sequence Variant Interpretation Standards - Updated. Collection method: curation. Allele origin: germline. Affected: yes.
Comment: CFH p.Val686Met (c.2056G>A) is a missense variant that changes the amino acid at residue 686 from Valine to Methionine. This variant has been observed in at least one proband affected with atypical hemolytic-uremic syndrome (PMID:30890598). Functional studies have been reported (PMID:34189567). It is absent or not present at a significant frequency in gnomAD. In silico models agree that this variant is possibly or probably damaging. In conclusion, we classify CFH p.Val686Met (c.2056G>A) as a variant of uncertain significance.

Literature cited by the submitters: PubMed 30890598; PubMed 34189567.

NM_000186.4(CFH):c.2056G>A (p.Val686Met)

Gene: CFH (complement factor H; plus strand). Cytogenetic location: 1q31.3.
Variant type: single nucleotide variant.
Coding change: c.2056G>A on transcript NM_000186.4 (MANE Select); coding-DNA position 2056, G replaced by A.
Protein change: p.Val686Met; replaces valine 686 with methionine.
Molecular consequence: missense variant.
Genome position (GRCh38, 1-based): chr1:196,726,652, G>A. VCF-style: chr1-196726652-G-A. GRCh37 (hg19) VCF-style: chr1-196695782-G-A.
Other names: short protein forms V686M.
Identifiers: ClinVar variation 4291445 (VCV004291445.1).
Genomic context (GRCh38, chr1:196,726,652, plus strand): 5'-AAGGGACCTAATAAAATTCAATGTGTTGATGGAGAGTGGACAACTTTACCAGTGTGTATT[G>A]GTAATGTATAAAATATTAATATTTAAACTTGTCAAAACTTTTGTATTTTGTATCTAAAAC-3'
Protein context (NP_000177.2, residues 676-696): GEWTTLPVCI[Val686Met]EESTCGDIPE